The following is an entry in ClinVar:

ClinVar aggregate classification (germline): Uncertain significance (1 of 4 stars; one submission).

Submission:

GeneDx
Classification: Uncertain significance. Last evaluated: 2025-05-30. Review status: criteria provided, single submitter. Criteria: GeneDx Variant Classification Process June 2021. Collection method: clinical testing. Allele origin: germline. Affected: yes.
Comment: Not observed at significant frequency in large population cohorts (gnomAD); Missense variants in this gene are a common cause of disease and they are underrepresented in the general population; In silico analysis supports that this missense variant has a deleterious effect on protein structure/function; Has not been previously published as pathogenic or benign to our knowledge; This variant is associated with the following publications: (PMID: 20829227)

NM_006086.4(TUBB3):c.16C>T (p.His6Tyr)

Genes: TUBB3 (tubulin beta 3 class III; plus strand), LOC130059847 (ATAC-STARR-seq lymphoblastoid silent region 7932; plus strand). Cytogenetic location: 16q24.3.
Variant type: single nucleotide variant.
Coding change: c.16C>T on transcript NM_006086.4 (MANE Select); coding-DNA position 16, C replaced by T.
Protein change: p.His6Tyr; replaces histidine 6 with tyrosine.
Molecular consequence: missense variant. On other transcripts: intron variant (1).
Genome position (GRCh38, 1-based): chr16:89,923,417, C>T. VCF-style: chr16-89923417-C-T. GRCh37 (hg19) VCF-style: chr16-89989825-C-T.
Other names: c.-160+1172C>T (NM_001197181.2); short protein forms H6Y.
Identifiers: ClinVar variation 4532727 (VCV004532727.1).